The following is an entry in ClinVar:

ClinVar aggregate classification (germline): Conflicting classifications of pathogenicity. Review status: criteria provided, conflicting classifications (1 of 4 stars). 2 submissions from 2 submitters: Uncertain significance (1); Likely benign (1). Last evaluated 2026-07-01.

Conditions:
Autism, susceptibility to, 17. Also called: Autism susceptibility 17. Identifiers: MedGen C3150693, MONDO:0013265, OMIM 613436.

Allele frequency attached by ClinVar (database versions not stated): gnomAD 0.00001 and 0.00010; TOPMed 0.00006; gnomAD exomes 0.00037; 1000 Genomes Project 0.00040; 1000 Genomes Project 30x 0.00047; ExAC 0.00107.
gnomAD v4.1: 272 of 1,548,388 alleles (0.018%); highest among the groups gnomAD compares: South Asian, 0.24%; 2 homozygotes.

Submissions (2):

CeGaT Center for Human Genetics Tuebingen
Classification: Likely benign. Last evaluated: 2026-07-01. Review status: criteria provided, single submitter. Criteria: CeGaT Center For Human Genetics Tuebingen Variant Classification Criteria Version 2. Collection method: clinical testing. Allele origin: germline. Affected: yes. Observed: 1 variant allele.
Comment: SHANK2: BP4

Department of Human Genetics, Hannover Medical School
Classification: Uncertain significance for Autism, susceptibility to, 17. Last evaluated: 2023-05-12. Review status: criteria provided, single submitter. Criteria: ACMG Guidelines, 2015. Collection method: clinical testing. Allele origin: germline. Affected: yes.

NM_012309.5(SHANK2):c.744+8C>T

Gene: SHANK2 (SH3 and multiple ankyrin repeat domains 2; minus strand). Cytogenetic location: 11q13.4.
Variant type: single nucleotide variant.
Coding change: c.744+8C>T on transcript NM_012309.5 (MANE Select); 8 bases into the intron after coding-DNA position 744, C replaced by T.
Molecular consequence: intron variant.
Genome position (GRCh38, 1-based): chr11:71,094,529, G>A on the plus strand (C>T on the coding strand, the complement: SHANK2 is on the minus strand). VCF-style: chr11-71094529-G-A. GRCh37 (hg19) VCF-style: chr11-70805575-G-A.
Identifiers: ClinVar variation 305910 (VCV000305910.7), dbSNP rs529300603, ClinGen allele CA6162084.